The following is an entry in ClinVar:

NM_001065.4(TNFRSF1A):c.982G>A (p.Ala328Thr)

Gene: TNFRSF1A (TNF receptor superfamily member 1A; minus strand). Cytogenetic location: 12p13.31.
Variant type: single nucleotide variant.
Coding change: c.982G>A on transcript NM_001065.4 (MANE Select); coding-DNA position 982, G replaced by A.
Protein change: p.Ala328Thr; replaces alanine 328 with threonine.
Molecular consequence: missense variant. On other transcripts: non-coding transcript variant (1).
Genome position (GRCh38, 1-based): chr12:6,329,853, C>T on the plus strand (G>A on the coding strand, the complement: TNFRSF1A is on the minus strand). VCF-style: chr12-6329853-C-T. GRCh37 (hg19) VCF-style: chr12-6439019-C-T.
Other names: c.658G>A, p.Ala220Thr (NM_001346091.2); c.523G>A, p.Ala175Thr (NM_001346092.2); short protein forms A328T, A175T, A220T.
Identifiers: ClinVar variation 3681879 (VCV003681879.2).

ClinVar aggregate classification (germline): Uncertain significance (1 of 4 stars; one submission).

Conditions:
TNF receptor-associated periodic fever syndrome (TRAPS) (FPF). Also called: FAMILIAL HIBERNIAN FEVER; TNF RECEPTOR-ASSOCIATED PERIODIC SYNDROME; TUMOR NECROSIS FACTOR RECEPTOR-ASSOCIATED PERIODIC SYNDROME; Autosomal Dominant Familial Periodic Fever; TNF Receptor-Associated Periodic Fever Syndrome; TNF receptor 1-associated periodic fever syndrome. Identifiers: Orphanet 32960, MedGen C1275126, MONDO:0007727, OMIM 142680.

Submission:

Labcorp Genetics (formerly Invitae), Labcorp
Classification: Uncertain significance for TNF receptor-associated periodic fever syndrome (TRAPS). Last evaluated: 2024-12-07. Review status: criteria provided, single submitter. Criteria: Invitae Variant Classification Sherloc (09022015). Collection method: clinical testing. Allele origin: germline.
Comment: This sequence change replaces alanine, which is neutral and non-polar, with threonine, which is neutral and polar, at codon 328 of the TNFRSF1A protein (p.Ala328Thr). This variant is not present in population databases (gnomAD no frequency). This variant has not been reported in the literature in individuals affected with TNFRSF1A-related conditions. Invitae Evidence Modeling of protein sequence and biophysical properties (such as structural, functional, and spatial information, amino acid conservation, physicochemical variation, residue mobility, and thermodynamic stability) has been performed for this missense variant. However, the output from this modeling did not meet the statistical confidence thresholds required to predict the impact of this variant on TNFRSF1A protein function. In summary, the available evidence is currently insufficient to determine the role of this variant in disease. Therefore, it has been classified as a Variant of Uncertain Significance.